The following is an entry in ClinVar:

NM_000537.4(REN):c.433C>T (p.Leu145Phe)

Gene: REN (renin; minus strand). Cytogenetic location: 1q32.1.
Variant type: single nucleotide variant.
Coding change: c.433C>T on transcript NM_000537.4 (MANE Select); coding-DNA position 433, C replaced by T.
Protein change: p.Leu145Phe; replaces leucine 145 with phenylalanine.
Molecular consequence: missense variant.
Genome position (GRCh38, 1-based): chr1:204,160,619, G>A on the plus strand (C>T on the coding strand, the complement: REN is on the minus strand). VCF-style: chr1-204160619-G-A. GRCh37 (hg19) VCF-style: chr1-204129747-G-A.
Other names: short protein forms L145F.
Identifiers: ClinVar variation 3680195 (VCV003680195.2).

ClinVar aggregate classification (germline): Uncertain significance (1 of 4 stars; one submission).

Submission:

Labcorp Genetics (formerly Invitae), Labcorp
Classification: Uncertain significance. Last evaluated: 2024-10-15. Review status: criteria provided, single submitter. Criteria: Invitae Variant Classification Sherloc (09022015). Collection method: clinical testing. Allele origin: germline.
Comment: This sequence change replaces leucine, which is neutral and non-polar, with phenylalanine, which is neutral and non-polar, at codon 145 of the REN protein (p.Leu145Phe). This variant is not present in population databases (gnomAD no frequency). This variant has not been reported in the literature in individuals affected with REN-related conditions. Invitae Evidence Modeling of protein sequence and biophysical properties (such as structural, functional, and spatial information, amino acid conservation, physicochemical variation, residue mobility, and thermodynamic stability) indicates that this missense variant is not expected to disrupt REN protein function with a negative predictive value of 80%. In summary, the available evidence is currently insufficient to determine the role of this variant in disease. Therefore, it has been classified as a Variant of Uncertain Significance.